The following is an entry in ClinVar:

ClinVar aggregate classification (germline): Pathogenic (1 of 4 stars; one submission).

Conditions:
Cobalamin C disease. Also called: Methylmalonic aciduria and homocystinuria, Vitamin B12-responsive; Vitamin B12 metabolic defect with combined deficiency of methylmalonyl-CoA mutase and homocysteine:methyltetrahydrofolate methyltransferase; methylmalonic aciduria and homocystinuria type cblC; Methylmalonic aciduria with homocystinuria cblC type; Cobalamin-C methylmalonic acidemia and homocystinuria; Methylmalonic acidemia and homocystinuria cblC type. Identifiers: Orphanet 26, Orphanet 79282, MedGen C1848561, MONDO:0010184, OMIM 277400.

Submission:

Labcorp Genetics (formerly Invitae), Labcorp
Classification: Pathogenic for Cobalamin C disease. Last evaluated: 2023-06-25. Review status: criteria provided, single submitter. Criteria: Invitae Variant Classification Sherloc (09022015). Collection method: clinical testing. Allele origin: germline.
Comment: For these reasons, this variant has been classified as Pathogenic. Algorithms developed to predict the effect of sequence changes on RNA splicing suggest that this variant may disrupt the consensus splice site. ClinVar contains an entry for this variant (Variation ID: 2130931). Disruption of this splice site has been observed in individuals with methylmalonic aciduria and homocystinuria (PMID: 16311595, 26979128; Invitae). This variant is not present in population databases (gnomAD no frequency). This sequence change affects a donor splice site in intron 1 of the MMACHC gene. It is expected to disrupt RNA splicing. Variants that disrupt the donor or acceptor splice site typically lead to a loss of protein function (PMID: 16199547), and loss-of-function variants in MMACHC are known to be pathogenic (PMID: 16311595).

Literature cited by the submitters: PubMed 16311595; PubMed 26979128; PubMed 16199547.

NM_015506.3(MMACHC):c.81+2T>C

Gene: MMACHC (metabolism of cobalamin associated C; plus strand). Cytogenetic location: 1p34.1.
Variant type: single nucleotide variant.
Coding change: c.81+2T>C on transcript NM_015506.3 (MANE Select); the canonical splice donor site of the intron after coding-DNA position 81, T replaced by C.
Molecular consequence: splice donor variant.
Genome position (GRCh38, 1-based): chr1:45,500,415, T>C. VCF-style: chr1-45500415-T-C. GRCh37 (hg19) VCF-style: chr1-45966087-T-C.
Other names: c.-142+2T>C (NM_001330540.2).
Identifiers: ClinVar variation 2130931 (VCV002130931.4), dbSNP rs777251123, ClinGen allele CA340128861.
Genomic context (GRCh38, chr1:45,500,415, plus strand): 5'-TGAAGCAGAAGATCGAGGACACGCTATGTCCTTTTGGCTTCGAGGTTTACCCCTTCCAGG[T>C]TAGTTTATCCCTCCTGCTGTTCTAGGGCGAAATATATGATTGGCTTCGTTGCAACTGGCG-3'